The following is an entry in ClinVar:

ClinVar aggregate classification (germline): Uncertain significance. Review status: criteria provided, multiple submitters, no conflicts (2 of 4 stars). 5 submissions from 5 submitters: Uncertain significance (5). Last evaluated 2025-05-01.

Conditions:
SMARCA4-related disorder. Also called: SMARCA4-related condition.
Hereditary cancer-predisposing syndrome. Also called: Neoplastic Syndromes, Hereditary; Tumor predisposition; Hereditary Cancer Syndrome; Hereditary neoplastic syndrome. Identifiers: Orphanet 140162, MedGen C0027672, MeSH D009386, MONDO:0015356.
Intellectual disability, autosomal dominant 16 (CSS4). Also called: COFFIN-SIRIS SYNDROME 4. Identifiers: Orphanet 1465, MedGen C3553249, MONDO:0013821, OMIM 614609.
Rhabdoid tumor predisposition syndrome 2 (RTPS2). Identifiers: Orphanet 231108, Orphanet 69077, MedGen C2750074, MONDO:0013224, OMIM 613325.

Allele frequency attached by ClinVar (database versions not stated): gnomAD exomes below 0.00001; TOPMed below 0.00001.
gnomAD v4.1: 1 of 1,614,084 alleles (0.000062%); highest among the groups gnomAD compares: Non-Finnish European, 0.000085%; no homozygotes.

Submissions (5):

PreventionGenetics, part of Exact Sciences
Classification: Uncertain significance for SMARCA4-related condition. Last evaluated: 2025-05-01. Review status: criteria provided, single submitter. Criteria: ACMG Guidelines, 2015. Collection method: clinical testing. Allele origin: germline.
Comment: The SMARCA4 c.4654C>T variant is predicted to result in the amino acid substitution p.Arg1552Cys. To our knowledge, this variant has not been reported in the literature or in a large population database (gnomAD), indicating this variant is rare. This variant has been classified as a variant of uncertain significance in ClinVar. At this time, the clinical significance of this variant is uncertain due to the absence of conclusive functional and genetic evidence.

Ambry Genetics
Classification: Uncertain significance for Hereditary cancer-predisposing syndrome. Last evaluated: 2024-05-28. Review status: criteria provided, single submitter. Criteria: Ambry Variant Classification Scheme 2023. Collection method: clinical testing. Allele origin: germline.
Comment: The p.R1552C variant (also known as c.4654C>T), located in coding exon 32 of the SMARCA4 gene, results from a C to T substitution at nucleotide position 4654. The arginine at codon 1552 is replaced by cysteine, an amino acid with highly dissimilar properties. This amino acid position is conserved. In addition, the in silico prediction for this alteration is inconclusive. Based on the available evidence, the clinical significance of this variant remains unclear.

Labcorp Genetics (formerly Invitae), Labcorp
Classification: Uncertain significance for Rhabdoid tumor predisposition syndrome 2. Last evaluated: 2024-02-14. Review status: criteria provided, single submitter. Criteria: Invitae Variant Classification Sherloc (09022015). Collection method: clinical testing. Allele origin: germline.
Comment: This sequence change replaces arginine, which is basic and polar, with cysteine, which is neutral and slightly polar, at codon 1552 of the SMARCA4 protein (p.Arg1552Cys). This variant is not present in population databases (gnomAD no frequency). This variant has not been reported in the literature in individuals affected with SMARCA4-related conditions. ClinVar contains an entry for this variant (Variation ID: 388472). Advanced modeling of protein sequence and biophysical properties (such as structural, functional, and spatial information, amino acid conservation, physicochemical variation, residue mobility, and thermodynamic stability) has been performed at Invitae for this missense variant, however the output from this modeling did not meet the statistical confidence thresholds required to predict the impact of this variant on SMARCA4 protein function. In summary, the available evidence is currently insufficient to determine the role of this variant in disease. Therefore, it has been classified as a Variant of Uncertain Significance.

Genome-Nilou Lab
Classification: Uncertain significance for Intellectual disability, autosomal dominant 16. Last evaluated: 2021-07-15. Review status: criteria provided, single submitter. Criteria: ACMG Guidelines, 2015. Collection method: clinical testing. Allele origin: germline. Affected: no.

GeneDx
Classification: Uncertain significance. Last evaluated: 2016-08-11. Review status: criteria provided, single submitter. Criteria: GeneDx Variant Classification (06012015). Collection method: clinical testing. Allele origin: germline. Affected: yes.
Comment: The R1552C variant in the SMARCA4 gene has not been reported previously as a pathogenic variant, nor as a benign variant, to our knowledge. The R1552C variant was not observed in approximately 6500 individuals of European and African American ancestry in the NHLBI Exome Sequencing Project, indicating it is not a common benign variant in these populations. The R1552C variant is a non-conservative amino acid substitution, which is likely to impact secondary protein structure as these residues differ in polarity, charge, size and/or other properties. This substitution occurs at a position that is conserved across species and is located within the bromo domain. In silico analysis predicts this variant is probably damaging to the protein structure/function. We interpret R1552C as a variant of uncertain significance,

NM_003072.5(SMARCA4):c.4558C>T (p.Arg1520Cys)

Gene: SMARCA4 (SWI/SNF related BAF chromatin remodeling complex subunit ATPase 4; plus strand). Cytogenetic location: 19p13.2.
Variant type: single nucleotide variant.
Coding change: c.4558C>T on transcript NM_003072.5 (MANE Select); coding-DNA position 4558, C replaced by T.
Protein change: p.Arg1520Cys; replaces arginine 1520 with cysteine.
Molecular consequence: missense variant. On other transcripts: non-coding transcript variant (1).
Genome position (GRCh38, 1-based): chr19:11,058,812, C>T. VCF-style: chr19-11058812-C-T. GRCh37 (hg19) VCF-style: chr19-11169488-C-T.
Other names: c.4558C>T, p.Arg1520Cys (NM_001128844.3); c.4468C>T, p.Arg1490Cys (NM_001128845.2); c.4465C>T, p.Arg1489Cys (NM_001128846.2); c.4459C>T, p.Arg1487Cys (NM_001128847.4, NM_001374457.1); c.4456C>T, p.Arg1486Cys (NM_001128848.2); c.4654C>T, p.Arg1552Cys (NM_001128849.3, NM_001387283.1); short protein forms R1552C, R1490C, R1486C, R1487C, R1489C, R1520C.
Identifiers: ClinVar variation 388472 (VCV000388472.14), dbSNP rs1057523119, ClinGen allele CA16608000.